The following is an entry in ClinVar:

NM_024700.4(SNIP1):c.214G>T (p.Gly72Ter)

Genes: SNIP1 (Smad nuclear interacting protein 1; minus strand), LOC129930156 (ATAC-STARR-seq lymphoblastoid silent region 673; plus strand). Cytogenetic location: 1p34.3.
Variant type: single nucleotide variant.
Coding change: c.214G>T on transcript NM_024700.4 (MANE Select); coding-DNA position 214, G replaced by T.
Protein change: p.Gly72Ter; replaces glycine 72 with a stop codon.
Molecular consequence: nonsense.
Genome position (GRCh38, 1-based): chr1:37,554,016, C>A on the plus strand (G>T on the coding strand, the complement: SNIP1 is on the minus strand). VCF-style: chr1-37554016-C-A. GRCh37 (hg19) VCF-style: chr1-38019617-C-A.
Other names: short protein forms G72*.
Identifiers: ClinVar variation 2005858 (VCV002005858.4), dbSNP rs2522388423, ClinGen allele CA339429691.

ClinVar aggregate classification (germline): Uncertain significance (1 of 4 stars; one submission).

Submission:

Labcorp Genetics (formerly Invitae), Labcorp
Classification: Uncertain significance. Last evaluated: 2022-06-29. Review status: criteria provided, single submitter. Criteria: Invitae Variant Classification Sherloc (09022015). Collection method: clinical testing. Allele origin: germline.
Comment: In summary, the available evidence is currently insufficient to determine the role of this variant in disease. Therefore, it has been classified as a Variant of Uncertain Significance. This variant has not been reported in the literature in individuals affected with SNIP1-related conditions. This variant is not present in population databases (gnomAD no frequency). This sequence change creates a premature translational stop signal (p.Gly72*) in the SNIP1 gene. It is expected to result in an absent or disrupted protein product. However, the current clinical and genetic evidence is not sufficient to establish whether loss-of-function variants in SNIP1 cause disease.